The following is an entry in ClinVar:

NM_001040108.2(MLH3):c.2849A>T (p.Asn950Ile)

Gene: MLH3 (mutL homolog 3; minus strand). Cytogenetic location: 14q24.3.
Variant type: single nucleotide variant.
Coding change: c.2849A>T on transcript NM_001040108.2 (MANE Select); coding-DNA position 2849, A replaced by T.
Protein change: p.Asn950Ile; replaces asparagine 950 with isoleucine.
Molecular consequence: missense variant.
Genome position (GRCh38, 1-based): chr14:75,046,807, T>A on the plus strand (A>T on the coding strand, the complement: MLH3 is on the minus strand). VCF-style: chr14-75046807-T-A. GRCh37 (hg19) VCF-style: chr14-75513510-T-A.
Other names: c.2849A>T, p.Asn950Ile (NM_014381.3); short protein forms N950I.
Identifiers: ClinVar variation 3295132 (VCV003295132.1).
Genomic context (GRCh38, chr14:75,046,807, plus strand): 5'-AAAGGAGTTTCTGATATCACACAGTTCTCTGTTGTATTGCTGTTAGAATGTGTTTTACTA[T>A]TTTTATTAAAGGAATTATCCTGTGTGGCAGAATCTGATGTTGGGATGACACCATTCTCTG-3'
Protein context (NP_001035197.1, residues 940-960): SATQDNSFNK[Asn950Ile]SKTHSNSNTT

ClinVar aggregate classification (germline): Uncertain significance (1 of 4 stars; one submission).

Submission:

Ambry Genetics
Classification: Uncertain significance. Last evaluated: 2024-05-05. Review status: criteria provided, single submitter. Criteria: Ambry Variant Classification Scheme 2023. Collection method: clinical testing. Allele origin: germline.
Comment: The p.N950I variant (also known as c.2849A>T), located in coding exon 1 of the MLH3 gene, results from an A to T substitution at nucleotide position 2849. The asparagine at codon 950 is replaced by isoleucine, an amino acid with dissimilar properties. This amino acid position is conserved. In addition, this alteration is predicted to be tolerated by in silico analysis. Based on the available evidence, the clinical significance of this variant remains unclear.